The following is an entry in ClinVar:

ClinVar aggregate classification (germline): Likely benign. Review status: criteria provided, single submitter (1 of 4 stars). 2 submissions from 2 submitters: Likely benign (1). 1 of the submissions does not count toward it. Last evaluated 2023-12-06.

Conditions:
SURF1-related disorder. Also called: SURF1-related condition.
Leigh syndrome (NULS). Also called: Leigh's necrotizing encephalopathy; Leigh's disease; Leigh Syndrome (mtDNA deletion); Leigh's syndrome; LEIGH SYNDROME, NUCLEAR; Leigh Disease. Identifiers: Orphanet 506, MedGen C2931891, MONDO:0009723, OMIM 256000.

Submissions (2):

Labcorp Genetics (formerly Invitae), Labcorp
Classification: Likely benign for Leigh syndrome. Last evaluated: 2023-12-06. Review status: criteria provided, single submitter. Criteria: Invitae Variant Classification Sherloc (09022015). Collection method: clinical testing. Allele origin: germline.

PreventionGenetics, part of Exact Sciences
Classification: Likely benign for SURF1-related condition. Last evaluated: 2019-10-03. Review status: no assertion criteria provided. Collection method: clinical testing. Allele origin: germline. Not counted in ClinVar's aggregate classification.
Comment: This variant is classified as likely benign based on ACMG/AMP sequence variant interpretation guidelines (Richards et al. 2015 PMID: 25741868, with internal and published modifications).

NM_003172.4(SURF1):c.204C>T (p.Leu68=)

Gene: SURF1 (SURF1 cytochrome c oxidase assembly factor; minus strand). Cytogenetic location: 9q34.2.
Variant type: single nucleotide variant.
Coding change: c.204C>T on transcript NM_003172.4 (MANE Select); coding-DNA position 204, C replaced by T.
Protein change: p.Leu68=; no amino-acid change (leucine 68 retained).
Molecular consequence: synonymous variant. On other transcripts: 5 prime UTR variant (1).
Genome position (GRCh38, 1-based): chr9:133,354,860, G>A on the plus strand (C>T on the coding strand, the complement: SURF1 is on the minus strand). VCF-style: chr9-133354860-G-A. GRCh37 (hg19) VCF-style: chr9-136221715-G-A.
Other names: c.-124C>T (NM_001280787.1); c.204C>T (NM_003172.3).
Identifiers: ClinVar variation 2999188 (VCV002999188.5), dbSNP rs782803508, ClinGen allele CA2740092917.